The following is an entry in ClinVar:

NM_001994.3(F13B):c.333A>G (p.Gln111=)

Gene: F13B (coagulation factor XIII B chain; minus strand). Cytogenetic location: 1q31.3.
Variant type: single nucleotide variant.
Coding change: c.333A>G on transcript NM_001994.3 (MANE Select); coding-DNA position 333, A replaced by G.
Protein change: p.Gln111=; no amino-acid change (glutamine 111 retained).
Molecular consequence: synonymous variant.
Genome position (GRCh38, 1-based): chr1:197,061,902, T>C on the plus strand (A>G on the coding strand, the complement: F13B is on the minus strand). VCF-style: chr1-197061902-T-C. GRCh37 (hg19) VCF-style: chr1-197031032-T-C.
Identifiers: ClinVar variation 3771319 (VCV003771319.14).

ClinVar aggregate classification (germline): Likely benign. Review status: criteria provided, multiple submitters, no conflicts (2 of 4 stars). 2 submissions from 2 submitters: Likely benign (2). Last evaluated 2024-12-01.

gnomAD v4.1: 44 of 1,612,934 alleles (0.0027%); highest among the groups gnomAD compares: Middle Eastern, 0.033%; no homozygotes.

Submissions (2):

CeGaT Center for Human Genetics Tuebingen
Classification: Likely benign. Last evaluated: 2024-12-01. Review status: criteria provided, single submitter. Criteria: CeGaT Center For Human Genetics Tuebingen Variant Classification Criteria Version 2. Collection method: clinical testing. Allele origin: germline. Affected: yes. Observed: 1 variant allele.
Comment: F13B: BP4, BP7

Blueprint Genetics
Classification: Likely benign. Last evaluated: 2024-09-13. Review status: criteria provided, single submitter. Criteria: ACMG Guidelines, 2015. Collection method: clinical testing. Allele origin: germline.